The following is an entry in ClinVar:

NM_006514.4(SCN10A):c.5729A>C (p.Glu1910Ala)

Gene: SCN10A (sodium voltage-gated channel alpha subunit 10; minus strand). Cytogenetic location: 3p22.2.
Variant type: single nucleotide variant.
Coding change: c.5729A>C on transcript NM_006514.4 (MANE Select); coding-DNA position 5729, A replaced by C.
Protein change: p.Glu1910Ala; replaces glutamic acid 1910 with alanine.
Molecular consequence: missense variant.
Genome position (GRCh38, 1-based): chr3:38,697,491, T>G on the plus strand (A>C on the coding strand, the complement: SCN10A is on the minus strand). VCF-style: chr3-38697491-T-G. GRCh37 (hg19) VCF-style: chr3-38738982-T-G.
Other names: c.5726A>C, p.Glu1909Ala (NM_001293306.2); c.5435A>C, p.Glu1812Ala (NM_001293307.2); short protein forms E1812A, E1910A, E1909A.
Identifiers: ClinVar variation 3686902 (VCV003686902.2).

ClinVar aggregate classification (germline): Uncertain significance (1 of 4 stars; one submission).

Conditions:
Brugada syndrome. Also called: Sudden unexpected nocturnal death syndrome; Sudden Unexplained Death Syndrome; Sudden Unexplained Nocturnal Death Syndrome (SUNDS); Sudden unexplained nocturnal death syndrome. Identifiers: Orphanet 130, MedGen C1142166, MONDO:0015263.

gnomAD v4.1: 1 of 1,614,196 alleles (0.000062%); highest among the groups gnomAD compares: South Asian, 0.0011%; no homozygotes.

Submission:

Labcorp Genetics (formerly Invitae), Labcorp
Classification: Uncertain significance for Brugada syndrome. Last evaluated: 2024-10-16. Review status: criteria provided, single submitter. Criteria: Invitae Variant Classification Sherloc (09022015). Collection method: clinical testing. Allele origin: germline.
Comment: This sequence change replaces glutamic acid, which is acidic and polar, with alanine, which is neutral and non-polar, at codon 1910 of the SCN10A protein (p.Glu1910Ala). This variant is present in population databases (no rsID available, gnomAD 0.003%). This variant has not been reported in the literature in individuals affected with SCN10A-related conditions. Invitae Evidence Modeling of protein sequence and biophysical properties (such as structural, functional, and spatial information, amino acid conservation, physicochemical variation, residue mobility, and thermodynamic stability) indicates that this missense variant is not expected to disrupt SCN10A protein function with a negative predictive value of 95%. In summary, the available evidence is currently insufficient to determine the role of this variant in disease. Therefore, it has been classified as a Variant of Uncertain Significance.